The following is an entry in ClinVar:

ClinVar aggregate classification (germline): Uncertain significance (1 of 4 stars; one submission).

Conditions:
Aortic aneurysm, familial thoracic 7 (AAT7). Also called: AORTIC DISSECTION, FAMILIAL, WITH OR WITHOUT AORTIC ANEURYSM. Identifiers: MedGen C3151077, MONDO:0013418, OMIM 613780.

Submission:

Labcorp Genetics (formerly Invitae), Labcorp
Classification: Uncertain significance for Aortic aneurysm, familial thoracic 7. Last evaluated: 2022-08-09. Review status: criteria provided, single submitter. Criteria: Invitae Variant Classification Sherloc (09022015). Collection method: clinical testing. Allele origin: germline.
Comment: This sequence change creates a premature translational stop signal (p.Trp66*) in the MYLK gene. This variant occurs in the long isoform of MYLK (PMID: 21055718). The current clinical and genetic evidence is not sufficient to establish whether loss-of-function variants in the long isoform of MYLK cause disease. In summary, the available evidence is currently insufficient to determine the role of this variant in disease. Therefore, it has been classified as a Variant of Uncertain Significance. This premature translational stop signal has been observed in individual(s) with clinical features of MYLK-related conditions (Invitae). This variant is not present in population databases (gnomAD no frequency).

Literature cited by the submitters: PubMed 21055718.

NM_053025.4(MYLK):c.198G>A (p.Trp66Ter)

Gene: MYLK (myosin light chain kinase; minus strand). Cytogenetic location: 3q21.1.
Variant type: single nucleotide variant.
Coding change: c.198G>A on transcript NM_053025.4 (MANE Select); coding-DNA position 198, G replaced by A.
Protein change: p.Trp66Ter; replaces tryptophan 66 with a stop codon.
Molecular consequence: nonsense. On other transcripts: intron variant (1).
Genome position (GRCh38, 1-based): chr3:123,752,506, C>T on the plus strand (G>A on the coding strand, the complement: MYLK is on the minus strand). VCF-style: chr3-123752506-C-T. GRCh37 (hg19) VCF-style: chr3-123471353-C-T.
Other names: c.198G>A, p.Trp66Ter (NM_053026.4, NM_053027.4, NM_053028.4); c.-155-12505G>A (NM_001321309.2); short protein forms W66*.
Identifiers: ClinVar variation 1972875 (VCV001972875.5), dbSNP rs2474744149, ClinGen allele CA354245279.